The following is an entry in ClinVar:

NM_001267550.2(TTN):c.32471-1G>A

Gene: TTN (titin; minus strand). Cytogenetic location: 2q31.2.
Variant type: single nucleotide variant.
Coding change: c.32471-1G>A on transcript NM_001267550.2 (MANE Select); the canonical splice acceptor site of the intron before coding-DNA position 32471, G replaced by A.
Molecular consequence: splice acceptor variant. On other transcripts: intron variant (3).
Genome position (GRCh38, 1-based): chr2:178,684,990, C>T on the plus strand (G>A on the coding strand, the complement: TTN is on the minus strand). VCF-style: chr2-178684990-C-T. GRCh37 (hg19) VCF-style: chr2-179549717-C-T.
Other names: c.13283-42673G>A (NM_003319.4); c.13859-42673G>A (NM_133437.4); c.13658-42673G>A (NM_133432.3); c.28739-1G>A (NM_133378.4); c.31520-1G>A (NM_001256850.1).
Identifiers: ClinVar variation 194146 (VCV000194146.35), dbSNP rs371725574, ClinGen allele CA239986.

ClinVar aggregate classification (germline): Conflicting classifications of pathogenicity. Review status: criteria provided, conflicting classifications (1 of 4 stars). 12 submissions from 12 submitters: Pathogenic (1); Likely pathogenic (2); Uncertain significance (8). 1 of the submissions does not count toward it. Last evaluated 2026-03-12.

Conditions:
TTN-related myopathy. Identifiers: MedGen CN294812, MONDO:0100175.
TTN-related disorder. Also called: TTN-related condition; TTN-related disease; TTN-related disorders.
Dilated cardiomyopathy 1G (CMD1G). Identifiers: Orphanet 154, MedGen C1858763, MONDO:0011400, OMIM 604145.
Autosomal recessive limb-girdle muscular dystrophy type 2J (LGMDR10). Also called: Limb-girdle muscular dystrophy, type 2J; MUSCULAR DYSTROPHY, LIMB-GIRDLE, AUTOSOMAL RECESSIVE 10. Identifiers: Orphanet 140922, MedGen C1837342, MONDO:0012127, OMIM 608807.
Myopathy, myofibrillar, 9, with early respiratory failure (MFM9). Also called: EDSTROM MYOPATHY; MYOPATHY, PROXIMAL, WITH EARLY RESPIRATORY MUSCLE INVOLVEMENT; Hereditary myopathy with early respiratory failure; Myopathy, distal, with early respiratory failure, autosomal dominant. Identifiers: Orphanet 178464, Orphanet 34521, MedGen C1863599, MONDO:0011362, OMIM 603689.
Tibial muscular dystrophy (TMD). Also called: Udd Distal Myopathy – Tibial Muscular Dystrophy; Tibial muscular dystrophy, tardive; UDD MYOPATHY. Identifiers: Orphanet 609, MedGen C1838244, MONDO:0010870, OMIM 600334.
Early-onset myopathy with fatal cardiomyopathy (CMYO5). Also called: CONGENITAL MYOPATHY 5 WITH CARDIOMYOPATHY; Salih Myopathy. Identifiers: Orphanet 289377, MedGen C2673677, MONDO:0012714, OMIM 611705. Disease mechanism: loss of function.
Hypertrophic cardiomyopathy 9. Also called: Familial hypertrophic cardiomyopathy 9. Identifiers: MedGen C1861065, MONDO:0013412, OMIM 613765.

Allele frequency attached by ClinVar (database versions not stated): gnomAD 0.00001 and 0.00003; gnomAD exomes 0.00001; TOPMed 0.00003; ExAC 0.00007; 1000 Genomes Project 30x 0.00016; ESP Exome Variant Server 0.00017; 1000 Genomes Project 0.00020.
gnomAD v4.1: 27 of 1,596,668 alleles (0.0017%); highest among the groups gnomAD compares: Middle Eastern, 0.05%; no homozygotes.

Submissions (12):

PreventionGenetics, part of Exact Sciences
Classification: Likely pathogenic for TTN-related condition. Last evaluated: 2026-03-12. Review status: criteria provided, single submitter. Criteria: ACMG Guidelines, 2015. Collection method: clinical testing. Allele origin: germline.
Comment: The TTN c.32471-1G>A variant is predicted to disrupt the AG splice acceptor site and interfere with normal splicing. This variant is located in the I-band region of the TTN protein where it impacts the splice donor site at the junction of exon 131 and intron 130. This variant has been reported with a second TTN variant in an individual with suspected titinopathy (Punetha et al. 2016. PubMed ID: 27854218). This variant has also been reported in multiple individuals with dilated cardiomyopathy (Table S4, Bourfiss et al. 2022. PubMed ID: 36264615). RNAseq studies from heart tissue indicate that exon 131 is not commonly included in TTN mRNA transcripts (PSI of 10%-25%, Roberts et al. 2015. PubMed ID: 25589632). TTN loss-of-function variants occurring in non-constitutively expressed exons (PSI < 90%) are less likely to be disease causing for TTN cardiac-related disorders (Roberts et al. 2015. PubMed ID: 25589632; Schafer et al. 2017. PubMed ID: 27869827; Akhtar et al. 2020. PubMed ID: 32964742). Many cases of recessive TTN-related myopathies in which the individual is compound heterozygous for two loss-of-function variants in TTN have also been reported (Ge et al. 2019. PubMed ID: 31053406; Oates et al. 2018. PubMed ID: 29691892; Rees et al. 2021. PubMed ID: 33449170). In summary, this variant is likely pathogenic for autosomal recessive TTN-related congenital titinopathies. However, it is uncertain if this variant would be causative for autosomal dominant TTN-related disorders.

Labcorp Genetics (formerly Invitae), Labcorp
Classification: Likely pathogenic for Dilated cardiomyopathy 1G; Autosomal recessive limb-girdle muscular dystrophy type 2J. Last evaluated: 2026-01-27. Review status: criteria provided, single submitter. Criteria: Invitae Variant Classification Sherloc (09022015). Collection method: clinical testing. Allele origin: germline.
Comment: This sequence change affects an acceptor splice site in intron 129 of the TTN gene. It is expected to disrupt RNA splicing and likely results in a truncated or disrupted TTN protein. The frequency data for this variant in the population databases is considered unreliable, as metrics indicate poor data quality at this position in the gnomAD database. Disruption of this splice site has been observed in individual(s) with clinical features of TTN-related conditions (PMID: 24503780, 27854218, 31216868, 35177841, 36264615). ClinVar contains an entry for this variant (Variation ID: 194146). Algorithms developed to predict the effect of sequence changes on RNA splicing suggest that this variant may disrupt the consensus splice site. This variant is located in the I band of TTN (PMID: 25589632). Truncating variants in this region have been reported in individuals affected with autosomal recessive centronuclear myopathy (PMID: 23975875, internal data). Truncating variants in this region have also been identified in individuals affected with autosomal dominant dilated cardiomyopathy and/or cardio-related conditions (PMID: 27869827, 32964742, internal data). In summary, the currently available evidence indicates that the variant is pathogenic, but additional data are needed to prove that conclusively. Therefore, this variant has been classified as Likely Pathogenic.

3billion
Classification: Pathogenic for TTN-related disorder. Last evaluated: 2025-07-15. Review status: criteria provided, single submitter. Criteria: ACMG Guidelines, 2015. Collection method: clinical testing. Allele origin: germline. Affected: yes.
Comment: The variant is observed at an extremely low frequency in the gnomAD v4.1.0 dataset (total allele frequency: 0.002%). Predicted Consequence/Location: Canonical splice site: predicted to alter splicing and result in a loss or disruption of normal protein function. Multiple pathogenic loss-of-function variants are reported downstream of the variant. In silico tools predict the variant to alter splicing and produce an abnormal transcript [SpliceAI: 0.99 (spliceogenicity >=0.2, non-spliceogenicity <0.1)]. The variant has been reported to be associated with TTN-related disorder (ClinVar ID: VCV000194146). Therefore, this variant is classified as Pathogenic according to the recommendation of ACMG/AMP guideline.

Revvity Omics, Revvity
Classification: Uncertain significance. Last evaluated: 2025-05-26. Review status: criteria provided, single submitter. Criteria: ACMG Guidelines, 2015. Collection method: clinical testing. Allele origin: germline.

GeneDx
Classification: Uncertain significance. Last evaluated: 2025-01-09. Review status: criteria provided, single submitter. Criteria: GeneDx Variant Classification Process June 2021. Collection method: clinical testing. Allele origin: germline. Affected: yes.
Comment: Identified in an individual with a suspected familial titinopathy who harbored a second TTN variant and in a patients with DCM in published literature (PMID: 36264615, 27854218); Not observed at significant frequency in large population cohorts (gnomAD); Canonical splice site variant in a gene or region of a gene for which loss of function is not a well-established mechanism of disease; This variant is associated with the following publications: (PMID: 35177841, 33226272, 36937954, 27854218, 36264615)

CeGaT Center for Human Genetics Tuebingen
Classification: Uncertain significance. Last evaluated: 2025-01-01. Review status: criteria provided, single submitter. Criteria: CeGaT Center For Human Genetics Tuebingen Variant Classification Criteria Version 2. Collection method: clinical testing. Allele origin: germline. Affected: yes. Observed: 1 variant allele.
Comment: TTN: PM2, PVS1:Moderate

Genomic Medicine Center of Excellence, King Faisal Specialist Hospital and Research Centre
Classification: Uncertain significance for Dilated cardiomyopathy 1G. Last evaluated: 2024-03-29. Review status: criteria provided, single submitter. Criteria: ACMG Guidelines, 2015. Collection method: clinical testing. Allele origin: germline.

Victorian Clinical Genetics Services, Murdoch Childrens Research Institute
Classification: Uncertain significance for TTN-related myopathy. Last evaluated: 2023-07-17. Review status: criteria provided, single submitter. Criteria: ACMG Guidelines, 2015. Collection method: clinical testing. Allele origin: germline. Inheritance: Autosomal dominant inheritance. Affected: yes.
Comment: Based on the classification scheme VCGS_Germline_v1.3.4, this variant is classified as VUS-3A. Following criteria are met: 0102 - Loss of function is known mechanism of disease in this gene. In addition, dominant-negative is also a suggested mechanism. (PMID: 25589632). (I) 0108 - This gene is associated with both recessive and dominant disease (OMIM). (I) 0112 - The condition associated with this gene has incomplete penetrance. Variants in this gene that result in a premature truncating codon (PTC) are known to have reduced penetrance in DCM (PMID: 25589632). (I) 0211 - Canonical splice site variant without proven consequence on splicing (no functional evidence available). (SP) 0219 - This variant is non-coding in an alternative transcript. This is a canonical splice variant in the muscle isoform (NM_133378) and meta-transcript (NM_001267550), but deep intronic in the cardiac isoform (NM_003319) (UCSC). (I) 0251 - This variant is heterozygous. (I) 0304 - Variant is present in gnomAD (v2) <0.01 (3 heterozygotes, 0 homozygotes). (SP) 0505 - Abnormal splicing is predicted by in silico tools and affected nucleotide is highly conserved. (SP) 0710 - Another canonical splice variant comparable to the one identified in this case has inconclusive previous evidence for pathogenicity. This change (c.32471-2A>C) has been observed in a cohort of unclear phenotype (PMID: 31216868). (I) 0808 - Previous reports of pathogenicity for this variant are conflicting. This variant has been reported multiple times as a VUS, and twice as likely pathogenic (ClinVar, LOVD). It has been observed once in a compound heterozygous individual with a suspected titanopathy (PMID: 27854218), once in a heterozygous individual with a neurodevelopmental disorder (PMID: 36937954), and twice in a cohort of unclear phenotype (PMID: 31216868, PMID: 24503780). (I) 0905 - No published segregation evidence has been identified for this variant. (I) 1007 - No published functional evidence has been identified for this variant. (I) 1208 - Inheritance information for this variant is not currently available in this individual. (I) Legend: (SP) - Supporting pathogenic, (I) - Information, (SB) - Supporting benign

Fulgent Genetics
Classification: Uncertain significance for Tibial muscular dystrophy; Myopathy, myofibrillar, 9, with early respiratory failure; Dilated cardiomyopathy 1G; Autosomal recessive limb-girdle muscular dystrophy type 2J; Early-onset myopathy with fatal cardiomyopathy; Hypertrophic cardiomyopathy 9. Last evaluated: 2022-04-26. Review status: criteria provided, single submitter. Criteria: ACMG Guidelines, 2015. Collection method: clinical testing. Allele origin: unknown.

AiLife Diagnostics
Classification: Uncertain significance. Last evaluated: 2021-08-09. Review status: criteria provided, single submitter. Criteria: ACMG Guidelines, 2015. Collection method: clinical testing. Allele origin: germline. Affected: yes. Observed: 1 variant allele.

Eurofins Ntd Llc (ga)
Classification: Uncertain significance. Last evaluated: 2017-04-19. Review status: criteria provided, single submitter. Criteria: EGL Classification Definitions 2015. Collection method: clinical testing. Allele origin: germline. Observed: 3 variant alleles, 3 heterozygotes.

Biochemical Molecular Genetic Laboratory, King Abdulaziz Medical City
Classification: Likely pathogenic for Tibial muscular dystrophy. Last evaluated: 2018-05-08. Review status: no assertion criteria provided. Collection method: clinical testing. Allele origin: germline. Affected: yes. Not counted in ClinVar's aggregate classification.

Literature cited by the submitters: PubMed 24503780 (cited by Labcorp Genetics (formerly Invitae), Labcorp and Victorian Clinical Genetics Services, Murdoch Childrens Research Institute); PubMed 27854218 (cited by 3 submitters); PubMed 31216868 (cited by Labcorp Genetics (formerly Invitae), Labcorp and Victorian Clinical Genetics Services, Murdoch Childrens Research Institute); PubMed 35177841 (cited by Labcorp Genetics (formerly Invitae), Labcorp); PubMed 36264615 (cited by Labcorp Genetics (formerly Invitae), Labcorp); PubMed 25589632 (cited by Labcorp Genetics (formerly Invitae), Labcorp and Victorian Clinical Genetics Services, Murdoch Childrens Research Institute); PubMed 23975875 (cited by Labcorp Genetics (formerly Invitae), Labcorp); PubMed 27869827 (cited by Labcorp Genetics (formerly Invitae), Labcorp); PubMed 32964742 (cited by Labcorp Genetics (formerly Invitae), Labcorp); PubMed 36937954 (cited by Victorian Clinical Genetics Services, Murdoch Childrens Research Institute).